The following is an entry in ClinVar:

NM_000531.6(OTC):c.143T>C (p.Phe48Ser)

Gene: OTC (ornithine transcarbamylase; plus strand). Cytogenetic location: Xp11.4.
Variant type: single nucleotide variant.
Coding change: c.143T>C on transcript NM_000531.6 (MANE Select); coding-DNA position 143, T replaced by C.
Protein change: p.Phe48Ser; replaces phenylalanine 48 with serine.
Molecular consequence: missense variant.
Genome position (GRCh38, 1-based): chrX:38,367,356, T>C. VCF-style: chrX-38367356-T-C. GRCh37 (hg19) VCF-style: chrX-38226609-T-C.
Other names: short protein forms F48S.
Identifiers: ClinVar variation 97115 (VCV000097115.2), dbSNP rs72554315, ClinGen allele CA224467.
Genomic context (GRCh38, chrX:38,367,356, plus strand): 5'-GACAACCACTACAAAATAAAGTGCAGCTGAAGGGCCGTGACCTTCTCACTCTAAAAAACT[T>C]TACCGGAGAAGAAATTAAATATATGCTATGGCTATCAGCAGATCTGAAATTTAGGATAAA-3'
Protein context (NP_000522.3, residues 38-58): KGRDLLTLKN[Phe48Ser]TGEEIKYMLW

ClinVar aggregate classification (germline): Pathogenic (0 of 4 stars; one submission).

Allele frequency attached by ClinVar (database versions not stated): gnomAD exomes below 0.00001.
gnomAD v4.1: 1 of 1,201,990 alleles (0.000083%); no homozygotes.

Submission:

GenMed Metabolism Lab
Classification: Pathogenic. Review status: no assertion criteria provided. Collection method: not provided. Allele origin: unknown.
ClinVar note: Converted during submission from pathogenic to Pathogenic.